The following is an entry in ClinVar:

ClinVar aggregate classification (germline): Likely pathogenic (1 of 4 stars; one submission).

Conditions:
Dyggve-Melchior-Clausen syndrome (DMC). Also called: Dyggve-Melchior-Clausen disease; DMC syndrome. Identifiers: Orphanet 239, MedGen C0265286, MONDO:0009130, OMIM 223800.

Allele frequency attached by ClinVar (database versions not stated): gnomAD exomes below 0.00001.
gnomAD v4.1: 1 of 1,612,762 alleles (0.000062%); highest among the groups gnomAD compares: Non-Finnish European, 0.000085%; no homozygotes.

Submission:

Hacettepe Pediatric Genetics Laboratory, Hacettepe University
Classification: Likely pathogenic for Dyggve-Melchior-Clausen syndrome. Last evaluated: 2023-08-03. Review status: criteria provided, single submitter. Criteria: ACMG Guidelines, 2015. Collection method: clinical testing. Allele origin: germline. Inheritance: Autosomal recessive inheritance. Affected: yes and no. Observed: 3 variant alleles, 2 heterozygotes, 1 homozygote. Clinical features observed: Short stature (HP:0004322), Coarse facial features (HP:0000280), Genu valgum (HP:0002857), Disproportionate short-trunk short stature (HP:0003521).
Comment: This variant was neither found in ExAC nor GnomAD. This change was classified as “ likely pathogenic” according to the ACMG guidelines and predicted to be disease causing by in silico analysis such as MutationTaster.

NM_001353214.3(DYM):c.1125+1G>A

Gene: DYM (dymeclin; minus strand). Cytogenetic location: 18q21.1.
Variant type: single nucleotide variant.
Coding change: c.1125+1G>A on transcript NM_001353214.3 (MANE Select); the canonical splice donor site of the intron after coding-DNA position 1125, G replaced by A.
Molecular consequence: splice donor variant.
Genome position (GRCh38, 1-based): chr18:49,281,996, C>T on the plus strand (G>A on the coding strand, the complement: DYM is on the minus strand). VCF-style: chr18-49281996-C-T. GRCh37 (hg19) VCF-style: chr18-46808366-C-T.
Other names: c.1119+1G>A (NM_001374439.1, NM_001374429.1); c.1122+1G>A (NM_001353211.3, NM_001353212.3, NM_001374438.1 and 3 more transcripts); c.552+1G>A (NM_001374443.1); c.555+1G>A (NM_001374444.1, NM_001374442.1, NM_001374441.1); c.897+1G>A (NM_001374440.1); c.999+1G>A (NM_001374436.1, NM_001374432.1); c.942+1G>A (NM_001374437.1); c.1125+1G>A (NM_001353216.3, NM_001374434.1, NM_017653.6 and 5 more transcripts).
Identifiers: ClinVar variation 2574625 (VCV002574625.2), dbSNP rs2094993424, ClinGen allele CA402507911.